The following is an entry in ClinVar:

NM_000138.5(FBN1):c.2225T>C (p.Leu742Pro)

Gene: FBN1 (fibrillin 1; minus strand). Cytogenetic location: 15q21.1.
Variant type: single nucleotide variant.
Coding change: c.2225T>C on transcript NM_000138.5 (MANE Select); coding-DNA position 2225, T replaced by C.
Protein change: p.Leu742Pro; replaces leucine 742 with proline.
Molecular consequence: missense variant.
Genome position (GRCh38, 1-based): chr15:48,497,334, A>G on the plus strand (T>C on the coding strand, the complement: FBN1 is on the minus strand). VCF-style: chr15-48497334-A-G. GRCh37 (hg19) VCF-style: chr15-48789531-A-G.
Other names: short protein forms L742P.
Identifiers: ClinVar variation 495573 (VCV000495573.1), dbSNP rs1555399377, ClinGen allele CA392335725.

ClinVar aggregate classification (germline): Uncertain significance (1 of 4 stars; one submission).

Submission:

Women's Health and Genetics/Laboratory Corporation of America, LabCorp
Classification: Uncertain significance. Last evaluated: 2016-12-21. Review status: criteria provided, single submitter. Criteria: LabCorp Variant Classification Summary - May 2015. Collection method: clinical testing. Allele origin: germline.
Comment: Variant summary: The FBN1 c.2225T>C (p.Leu742Pro) variant involves the alteration of a conserved nucleotide. 3/3 in silico tools predict a damaging outcome for this variant (SNPs&GO not captured due to low reliability index). This variant is absent in 121344 control chromosomes. The variant of interest has not, to our knowledge, been reported in affected individuals via publications and/or reputable databases/clinical diagnostic laboratories; nor evaluated for functional impact by in vivo/vitro studies. Because of the absence of clinical information and the lack of functional studies, the variant is classified as a variant of uncertain significance (VUS) until additional information becomes available.